The following is an entry in ClinVar:

NM_000138.5(FBN1):c.6992G>T (p.Cys2331Phe)

Gene: FBN1 (fibrillin 1; minus strand). Cytogenetic location: 15q21.1.
Variant type: single nucleotide variant.
Coding change: c.6992G>T on transcript NM_000138.5 (MANE Select); coding-DNA position 6992, G replaced by T.
Protein change: p.Cys2331Phe; replaces cysteine 2331 with phenylalanine.
Molecular consequence: missense variant.
Genome position (GRCh38, 1-based): chr15:48,428,351, C>A on the plus strand (G>T on the coding strand, the complement: FBN1 is on the minus strand). VCF-style: chr15-48428351-C-A. GRCh37 (hg19) VCF-style: chr15-48720548-C-A.
Other names: short protein forms C2331F.
Identifiers: ClinVar variation 946365 (VCV000946365.9), dbSNP rs397515842, ClinGen allele CA392330417.

ClinVar aggregate classification (germline): Likely pathogenic (1 of 4 stars; one submission).

Conditions:
Familial thoracic aortic aneurysm and aortic dissection (TAAD). Also called: Thoracic aortic aneurysms and dissections. Identifiers: Orphanet 91387, MedGen C4707243, MONDO:0019625.
Marfan syndrome (MFS). Also called: Marfan syndrome, classic; Marfan syndrome type 1; Marfan's syndrome; FBN1-Related Marfan Syndrome; MARFAN SYNDROME, TYPE I. Identifiers: Orphanet 284963, Orphanet 558, MedGen C0024796, MONDO:0007947, OMIM 154700.

Submission:

Labcorp Genetics (formerly Invitae), Labcorp
Classification: Likely pathogenic for Marfan syndrome; Familial thoracic aortic aneurysm and aortic dissection. Last evaluated: 2023-10-14. Review status: criteria provided, single submitter. Criteria: Invitae Variant Classification Sherloc (09022015). Collection method: clinical testing. Allele origin: germline.
Comment: This sequence change replaces cysteine, which is neutral and slightly polar, with phenylalanine, which is neutral and non-polar, at codon 2331 of the FBN1 protein (p.Cys2331Phe). This variant is not present in population databases (gnomAD no frequency). This variant has not been reported in the literature in individuals affected with FBN1-related conditions. ClinVar contains an entry for this variant (Variation ID: 946365). Advanced modeling of protein sequence and biophysical properties (such as structural, functional, and spatial information, amino acid conservation, physicochemical variation, residue mobility, and thermodynamic stability) performed at Invitae indicates that this missense variant is expected to disrupt FBN1 protein function. This variant affects a cysteine residue in the EGF-like, TGFBP or hybrid motif domains of FBN1. Cysteine residues are believed to be involved in intramolecular disulfide bridges and have been shown to be important for FBN1 protein structure (PMID: 16905551, 19349279). In addition, missense substitutions affecting cysteine residues within these domains are significantly overrepresented among patients with Marfan syndrome (PMID: 16571647, 17701892). In summary, the currently available evidence indicates that the variant is pathogenic, but additional data are needed to prove that conclusively. Therefore, this variant has been classified as Likely Pathogenic.

Literature cited by the submitters: PubMed 16905551; PubMed 19349279; PubMed 16571647; PubMed 17701892.